The following is an entry in ClinVar:

ClinVar aggregate classification (germline): Likely benign (1 of 4 stars; one submission).

Allele frequency attached by ClinVar (database versions not stated): 1000 Genomes Project 0.00180; 1000 Genomes Project 30x 0.00234; TOPMed 0.00468; ESP Exome Variant Server 0.00540; gnomAD 0.00652; gnomAD exomes 0.00701; ExAC 0.00714.
gnomAD v4.1: 11,122 of 1,613,736 alleles (0.69%); highest among the groups gnomAD compares: Non-Finnish European, 0.76%; 65 homozygotes.

Submission:

CeGaT Center for Human Genetics Tuebingen
Classification: Likely benign. Last evaluated: 2023-08-01. Review status: criteria provided, single submitter. Criteria: CeGaT Center For Human Genetics Tuebingen Variant Classification Criteria Version 2. Collection method: clinical testing. Allele origin: germline. Affected: yes. Observed: 2 variant alleles.
Comment: KIF13B: BP4, BP7, BS2

NM_015254.4(KIF13B):c.876T>C (p.Asp292=)

Gene: KIF13B (kinesin family member 13B; minus strand). Cytogenetic location: 8p12.
Variant type: single nucleotide variant.
Coding change: c.876T>C on transcript NM_015254.4 (MANE Select); coding-DNA position 876, T replaced by C.
Protein change: p.Asp292=; no amino-acid change (aspartic acid 292 retained).
Molecular consequence: synonymous variant.
Genome position (GRCh38, 1-based): chr8:29,176,137, A>G on the plus strand (T>C on the coding strand, the complement: KIF13B is on the minus strand). VCF-style: chr8-29176137-A-G. GRCh37 (hg19) VCF-style: chr8-29033654-A-G.
Identifiers: ClinVar variation 2658510 (VCV002658510.24), dbSNP rs148531473, ClinGen allele CA4698958.